The following is an entry in ClinVar:

NM_006940.6(SOX5):c.2049G>A (p.Met683Ile)

Gene: SOX5 (SRY-box transcription factor 5; minus strand). Cytogenetic location: 12p12.1.
Variant type: single nucleotide variant.
Coding change: c.2049G>A on transcript NM_006940.6 (MANE Select); coding-DNA position 2049, G replaced by A.
Protein change: p.Met683Ile; replaces methionine 683 with isoleucine.
Molecular consequence: missense variant.
Genome position (GRCh38, 1-based): chr12:23,534,462, C>T on the plus strand (G>A on the coding strand, the complement: SOX5 is on the minus strand). VCF-style: chr12-23534462-C-T. GRCh37 (hg19) VCF-style: chr12-23687396-C-T.
Other names: c.1686G>A, p.Met562Ile (NM_001261414.3); c.2019G>A, p.Met673Ile (NM_001261415.3); c.1944G>A, p.Met648Ile (NM_001330785.2); c.2010G>A, p.Met670Ile (NM_152989.5); c.891G>A, p.Met297Ile (NM_178010.4); short protein forms M297I, M562I, M648I, M670I, M673I, M683I.
Identifiers: ClinVar variation 4874781 (VCV004874781.2).

ClinVar aggregate classification (germline): Uncertain significance (1 of 4 stars; one submission).

Submission:

CeGaT Center for Human Genetics Tuebingen
Classification: Uncertain significance. Last evaluated: 2026-04-01. Review status: criteria provided, single submitter. Criteria: CeGaT Center For Human Genetics Tuebingen Variant Classification Criteria Version 2. Collection method: clinical testing. Allele origin: germline. Affected: yes. Observed: 1 variant allele.
Comment: SOX5: PM2